The following is an entry in ClinVar:

NM_003331.5(TYK2):c.1669+4C>T

Gene: TYK2 (tyrosine kinase 2; minus strand). Cytogenetic location: 19p13.2.
Variant type: single nucleotide variant.
Coding change: c.1669+4C>T on transcript NM_003331.5 (MANE Select); 4 bases into the intron after coding-DNA position 1669, C replaced by T.
Molecular consequence: intron variant.
Genome position (GRCh38, 1-based): chr19:10,362,260, G>A on the plus strand (C>T on the coding strand, the complement: TYK2 is on the minus strand). VCF-style: chr19-10362260-G-A. GRCh37 (hg19) VCF-style: chr19-10472936-G-A.
Other names: c.1669+4C>T (LRG_121t1).
Identifiers: ClinVar variation 644064 (VCV000644064.11), dbSNP rs377283741, ClinGen allele CA9193355.

ClinVar aggregate classification (germline): Conflicting classifications of pathogenicity. Review status: criteria provided, conflicting classifications (1 of 4 stars). 3 submissions from 3 submitters: Uncertain significance (1); Likely benign (2). Last evaluated 2025-12-15.

Conditions:
TYK2-related disorder. Also called: TYK2-related condition.
Immunodeficiency 35 (IMD35). Also called: Susceptibility to infection due to TYK2 deficiency; HIES WITH ATYPICAL MYCOBACTERIOSIS, AUTOSOMAL RECESSIVE; HYPER-IgE SYNDROME WITH ATYPICAL MYCOBACTERIOSIS, AUTOSOMAL RECESSIVE; TYK2 DEFICIENCY. Identifiers: Orphanet 331226, MedGen C1969086, MONDO:0012682, OMIM 611521.

Allele frequency attached by ClinVar (database versions not stated): ExAC 0.00005; gnomAD exomes 0.00010; gnomAD 0.00011 and 0.00013; TOPMed 0.00011; ESP Exome Variant Server 0.00015.
gnomAD v4.1: 227 of 1,613,476 alleles (0.014%); highest among the groups gnomAD compares: Non-Finnish European, 0.018%; no homozygotes.

Submissions (3):

PreventionGenetics, part of Exact Sciences
Classification: Likely benign for TYK2-related condition. Last evaluated: 2025-12-15. Review status: criteria provided, single submitter. Criteria: ACMG Guidelines, 2015. Collection method: clinical testing. Allele origin: germline.
Comment: This variant is classified as likely benign based on ACMG/AMP sequence variant interpretation guidelines (Richards et al. 2015 PMID: 25741868, with internal and published modifications).

Labcorp Genetics (formerly Invitae), Labcorp
Classification: Uncertain significance for Immunodeficiency 35. Last evaluated: 2025-01-27. Review status: criteria provided, single submitter. Criteria: Invitae Variant Classification Sherloc (09022015). Collection method: clinical testing. Allele origin: germline.
Comment: This sequence change falls in intron 11 of the TYK2 gene. It does not directly change the encoded amino acid sequence of the TYK2 protein. It affects a nucleotide within the consensus splice site. The frequency data for this variant in the population databases is considered unreliable, as metrics indicate poor data quality at this position in the gnomAD database. This variant has not been reported in the literature in individuals affected with TYK2-related conditions. ClinVar contains an entry for this variant (Variation ID: 644064). Variants that disrupt the consensus splice site are a relatively common cause of aberrant splicing (PMID: 17576681, 9536098). Algorithms developed to predict the effect of sequence changes on RNA splicing suggest that this variant is not likely to affect RNA splicing. In summary, the available evidence is currently insufficient to determine the role of this variant in disease. Therefore, it has been classified as a Variant of Uncertain Significance.

Blueprint Genetics
Classification: Likely benign. Last evaluated: 2022-09-16. Review status: criteria provided, single submitter. Criteria: ACMG Guidelines, 2015. Collection method: clinical testing. Allele origin: germline.

Literature cited by the submitters: PubMed 17576681 (cited by Labcorp Genetics (formerly Invitae), Labcorp); PubMed 9536098 (cited by Labcorp Genetics (formerly Invitae), Labcorp).